The following is an entry in ClinVar:

ClinVar aggregate classification (germline): Likely pathogenic (1 of 4 stars; one submission).

Conditions:
Hereditary hyperinsulinism.

Submission:

Natera, Inc.
Classification: Likely pathogenic for Hereditary hyperinsulinism. Last evaluated: 2025-11-20. Review status: criteria provided, single submitter. Criteria: Natera Variant Classification Schema (03/2026). Collection method: clinical testing. Allele origin: germline.
Comment: The c.2692del variant in ABCC8 is a frameshift variant predicted to shift the reading frame beginning at codon 898 and leads to a stop codon 5 codons downstream. This variant is expected to result in nonsense mediated decay, truncation, or a dysfunctional protein product. This variant is rare in the general population with a frequency below the threshold expected for the associated phenotype(s). Given the available evidence, this variant is classified as Likely Pathogenic.

NM_000352.6(ABCC8):c.2692del (p.Trp898fs)

Gene: ABCC8 (ATP binding cassette subfamily C member 8; minus strand). Cytogenetic location: 11p15.1.
Variant type: Deletion.
Coding change: c.2692del on transcript NM_000352.6 (MANE Select); coding-DNA position 2692, one base deleted (T; older notation c.2692delT).
Protein change: p.Trp898fs; shifts the reading frame from tryptophan 898.
Molecular consequence: frameshift variant. On other transcripts: non-coding transcript variant (1).
Genome position (GRCh38, 1-based): chr11:17,410,518, A deleted on the plus strand (T on the coding strand, the reverse complement: ABCC8 is on the minus strand). VCF-style (leftmost placement, unchanged base first): chr11-17410517-CA-C. GRCh37 (hg19) VCF-style: chr11-17432064-CA-C.
Other names: c.2695del, p.Trp899fs (NM_001287174.3); c.2758del, p.Trp920fs (NM_001351295.2); c.2692del, p.Trp898fs (NM_001351296.2); c.2689del, p.Trp897fs (NM_001351297.2); short protein forms W897fs, W898fs, W899fs, W920fs.
Identifiers: ClinVar variation 4818244 (VCV004818244.1).